The following is an entry in ClinVar:

ClinVar aggregate classification (germline): Uncertain significance (1 of 4 stars; one submission).

Allele frequency attached by ClinVar (database versions not stated): TOPMed below 0.00001; gnomAD 0.00001; gnomAD exomes 0.00001 and 0.00002; ExAC 0.00003.

Submission:

Labcorp Genetics (formerly Invitae), Labcorp
Classification: Uncertain significance. Last evaluated: 2022-11-01. Review status: criteria provided, single submitter. Criteria: Invitae Variant Classification Sherloc (09022015). Collection method: clinical testing. Allele origin: germline.
Comment: This sequence change replaces proline, which is neutral and non-polar, with leucine, which is neutral and non-polar, at codon 460 of the RAI1 protein (p.Pro460Leu). This variant is present in population databases (rs749537955, gnomAD 0.003%). This variant has not been reported in the literature in individuals affected with RAI1-related conditions. ClinVar contains an entry for this variant (Variation ID: 1407927). Algorithms developed to predict the effect of missense changes on protein structure and function (SIFT, PolyPhen-2, Align-GVGD) all suggest that this variant is likely to be disruptive. In summary, the available evidence is currently insufficient to determine the role of this variant in disease. Therefore, it has been classified as a Variant of Uncertain Significance.

NM_030665.4(RAI1):c.1379C>T (p.Pro460Leu)

Gene: RAI1 (retinoic acid induced 1; plus strand). Cytogenetic location: 17p11.2.
Variant type: single nucleotide variant.
Coding change: c.1379C>T on transcript NM_030665.4 (MANE Select); coding-DNA position 1379, C replaced by T.
Protein change: p.Pro460Leu; replaces proline 460 with leucine.
Molecular consequence: missense variant.
Genome position (GRCh38, 1-based): chr17:17,794,327, C>T. VCF-style: chr17-17794327-C-T. GRCh37 (hg19) VCF-style: chr17-17697641-C-T.
Other names: short protein forms P460L.
Identifiers: ClinVar variation 1407927 (VCV001407927.8), dbSNP rs749537955, ClinGen allele CA8418323.
Genomic context (GRCh38, chr17:17,794,327, plus strand): 5'-CACAGGTGGAGAACATCTCCAACACCGTCCAGCAGCTGCTGCTCTCCAAGGCTGCTGTGC[C>T]GCAGAAGAAAGGTGTCAAGAACCTCGTGTCCAGGACCCCAGAGCAGCATAAAAGCCAGCA-3'
Protein context (NP_109590.3, residues 450-470): QQLLLSKAAV[Pro460Leu]QKKGVKNLVS